The following is an entry in ClinVar:

NM_001792.5(CDH2):c.2245C>T (p.Arg749Trp)

Gene: CDH2 (cadherin 2; minus strand). Cytogenetic location: 18q12.1.
Variant type: single nucleotide variant.
Coding change: c.2245C>T on transcript NM_001792.5 (MANE Select); coding-DNA position 2245, C replaced by T.
Protein change: p.Arg749Trp; replaces arginine 749 with tryptophan.
Molecular consequence: missense variant.
Genome position (GRCh38, 1-based): chr18:27,983,048, G>A on the plus strand (C>T on the coding strand, the complement: CDH2 is on the minus strand). VCF-style: chr18-27983048-G-A. GRCh37 (hg19) VCF-style: chr18-25563012-G-A.
Other names: c.2152C>T, p.Arg718Trp (NM_001308176.2); short protein forms R749W, R718W.
Identifiers: ClinVar variation 1788333 (VCV001788333.7), dbSNP rs775708988, ClinGen allele CA8923192.

ClinVar aggregate classification (germline): Uncertain significance. Review status: criteria provided, multiple submitters, no conflicts (2 of 4 stars). 2 submissions from 2 submitters: Uncertain significance (2). Last evaluated 2024-07-03.

Conditions:
Inborn genetic diseases. Identifiers: MedGen C0950123, MeSH D030342.

Allele frequency attached by ClinVar (database versions not stated): gnomAD 0.00001; TOPMed 0.00001; gnomAD exomes 0.00002; ExAC 0.00003.
gnomAD v4.1: 34 of 1,612,140 alleles (0.0021%); highest among the groups gnomAD compares: Middle Eastern, 0.016%; no homozygotes.

Submissions (2):

Labcorp Genetics (formerly Invitae), Labcorp
Classification: Uncertain significance. Last evaluated: 2024-07-03. Review status: criteria provided, single submitter. Criteria: Invitae Variant Classification Sherloc (09022015). Collection method: clinical testing. Allele origin: germline.
Comment: This sequence change replaces arginine, which is basic and polar, with tryptophan, which is neutral and slightly polar, at codon 749 of the CDH2 protein (p.Arg749Trp). This variant is present in population databases (rs775708988, gnomAD 0.006%). This variant has not been reported in the literature in individuals affected with CDH2-related conditions. ClinVar contains an entry for this variant (Variation ID: 1788333). An algorithm developed to predict the effect of missense changes on protein structure and function (PolyPhen-2) suggests that this variant is likely to be disruptive. In summary, the available evidence is currently insufficient to determine the role of this variant in disease. Therefore, it has been classified as a Variant of Uncertain Significance.

Ambry Genetics
Classification: Uncertain significance for Inborn genetic diseases. Last evaluated: 2022-07-29. Review status: criteria provided, single submitter. Criteria: Ambry Variant Classification Scheme 2023. Collection method: clinical testing. Allele origin: germline.
Comment: The p.R749W variant (also known as c.2245C>T), located in coding exon 14 of the CDH2 gene, results from a C to T substitution at nucleotide position 2245. The arginine at codon 749 is replaced by tryptophan, an amino acid with dissimilar properties. This amino acid position is conserved. In addition, this alteration is predicted to be deleterious by in silico analysis. Since supporting evidence is limited at this time, the clinical significance of this alteration remains unclear.